The following is an entry in ClinVar:

ClinVar aggregate classification (germline): Uncertain significance (1 of 4 stars; one submission).

Conditions:
Gorlin syndrome. Also called: Nevoid Basal Cell Carcinoma Syndrome; Basal cell nevus syndrome. Identifiers: Orphanet 377, MedGen C0004779, MONDO:0007187.

gnomAD v4.1: 1 of 1,614,096 alleles (0.000062%); highest among the groups gnomAD compares: Non-Finnish European, 0.000085%; no homozygotes.

Submission:

Labcorp Genetics (formerly Invitae), Labcorp
Classification: Uncertain significance for Gorlin syndrome. Last evaluated: 2022-10-17. Review status: criteria provided, single submitter. Criteria: Invitae Variant Classification Sherloc (09022015). Collection method: clinical testing. Allele origin: germline.
Comment: This variant has not been reported in the literature in individuals affected with PTCH2-related conditions. Algorithms developed to predict the effect of missense changes on protein structure and function (SIFT, PolyPhen-2, Align-GVGD) all suggest that this variant is likely to be tolerated. This variant is present in population databases (no rsID available, gnomAD 0.0009%). This sequence change replaces proline, which is neutral and non-polar, with leucine, which is neutral and non-polar, at codon 771 of the PTCH2 protein (p.Pro771Leu). In summary, the available evidence is currently insufficient to determine the role of this variant in disease. Therefore, it has been classified as a Variant of Uncertain Significance.

NM_003738.5(PTCH2):c.2312C>T (p.Pro771Leu)

Gene: PTCH2 (patched 2; minus strand). Cytogenetic location: 1p34.1.
Variant type: single nucleotide variant.
Coding change: c.2312C>T on transcript NM_003738.5 (MANE Select); coding-DNA position 2312, C replaced by T.
Protein change: p.Pro771Leu; replaces proline 771 with leucine.
Molecular consequence: missense variant.
Genome position (GRCh38, 1-based): chr1:44,827,461, G>A on the plus strand (C>T on the coding strand, the complement: PTCH2 is on the minus strand). VCF-style: chr1-44827461-G-A. GRCh37 (hg19) VCF-style: chr1-45293133-G-A.
Other names: c.2312C>T, p.Pro771Leu (NM_001166292.2); short protein forms P771L.
Identifiers: ClinVar variation 2808772 (VCV002808772.3), dbSNP rs768407826, ClinGen allele CA340096309.